The following is an entry in ClinVar:

ClinVar aggregate classification (germline): Uncertain significance (1 of 4 stars; one submission).

Conditions:
Neurofibromatosis, type 1 (NF1). Also called: Peripheral type neurofibromatosis; VON RECKLINGHAUSEN DISEASE; NEUROFIBROMATOSIS, TYPE I, SOMATIC; Neurofibromatosis, type I. Identifiers: Orphanet 636, MedGen C0027831, MONDO:0018975, OMIM 162200. Disease mechanism: loss of function.

Submission:

Labcorp Genetics (formerly Invitae), Labcorp
Classification: Uncertain significance for Neurofibromatosis, type 1. Last evaluated: 2022-09-06. Review status: criteria provided, single submitter. Criteria: Invitae Variant Classification Sherloc (09022015). Collection method: clinical testing. Allele origin: germline.
Comment: This sequence change replaces valine, which is neutral and non-polar, with glycine, which is neutral and non-polar, at codon 551 of the NF1 protein (p.Val551Gly). This variant is not present in population databases (gnomAD no frequency). This variant has not been reported in the literature in individuals affected with NF1-related conditions. Advanced modeling of protein sequence and biophysical properties (such as structural, functional, and spatial information, amino acid conservation, physicochemical variation, residue mobility, and thermodynamic stability) performed at Invitae indicates that this missense variant is expected to disrupt NF1 protein function. In summary, the available evidence is currently insufficient to determine the role of this variant in disease. Therefore, it has been classified as a Variant of Uncertain Significance.

NM_001042492.3(NF1):c.1652T>G (p.Val551Gly)

Gene: NF1 (neurofibromin 1; plus strand). Cytogenetic location: 17q11.2.
Variant type: single nucleotide variant.
Coding change: c.1652T>G on transcript NM_001042492.3 (MANE Select); coding-DNA position 1652, T replaced by G.
Protein change: p.Val551Gly; replaces valine 551 with glycine.
Molecular consequence: missense variant.
Genome position (GRCh38, 1-based): chr17:31,221,860, T>G. VCF-style: chr17-31221860-T-G. GRCh37 (hg19) VCF-style: chr17-29548878-T-G.
Other names: c.1652T>G, p.Val551Gly (NM_000267.4, NM_001128147.3); short protein forms V551G.
Identifiers: ClinVar variation 1718898 (VCV001718898.5), dbSNP rs113867817, ClinGen allele CA399002228.